The following is an entry in ClinVar:

NM_006767.4(LZTR1):c.1559C>T (p.Pro520Leu)

Gene: LZTR1 (leucine zipper like post translational regulator 1; plus strand). Cytogenetic location: 22q11.21.
Variant type: single nucleotide variant.
Coding change: c.1559C>T on transcript NM_006767.4 (MANE Select); coding-DNA position 1559, C replaced by T.
Protein change: p.Pro520Leu; replaces proline 520 with leucine.
Molecular consequence: missense variant.
Genome position (GRCh38, 1-based): chr22:20,994,213, C>T. VCF-style: chr22-20994213-C-T. GRCh37 (hg19) VCF-style: chr22-21348502-C-T.
Other names: short protein forms P520L.
Identifiers: ClinVar variation 561511 (VCV000561511.4), dbSNP rs1569157089, ClinGen allele CA410775970.

ClinVar aggregate classification (germline): Uncertain significance. Review status: criteria provided, multiple submitters, no conflicts (2 of 4 stars). 3 submissions from 3 submitters: Uncertain significance (3). Last evaluated 2025-04-24.

Conditions:
LZTR1-related schwannomatosis. Also called: Schwannomatosis 2; Schwannomatosis-2, susceptibility to. Identifiers: Orphanet 93921, MedGen C3810283, MONDO:0014299, OMIM 615670.

gnomAD v4.1: 2 of 1,601,818 alleles (0.00012%); highest among the groups gnomAD compares: Non-Finnish European, 0.00017%; no homozygotes.

Submissions (3):

Labcorp Genetics (formerly Invitae), Labcorp
Classification: Uncertain significance. Last evaluated: 2025-04-24. Review status: criteria provided, single submitter. Criteria: Invitae Variant Classification Sherloc (09022015). Collection method: clinical testing. Allele origin: germline.
Comment: This sequence change replaces proline, which is neutral and non-polar, with leucine, which is neutral and non-polar, at codon 520 of the LZTR1 protein (p.Pro520Leu). This variant is not present in population databases (gnomAD no frequency). This missense change has been observed in individual(s) with schwannomatosis (PMID: 24362817). ClinVar contains an entry for this variant (Variation ID: 561511). Invitae Evidence Modeling of protein sequence and biophysical properties (such as structural, functional, and spatial information, amino acid conservation, physicochemical variation, residue mobility, and thermodynamic stability) indicates that this missense variant is not expected to disrupt LZTR1 protein function with a negative predictive value of 80%. In summary, the available evidence is currently insufficient to determine the role of this variant in disease. Therefore, it has been classified as a Variant of Uncertain Significance.

GeneDx
Classification: Uncertain significance. Last evaluated: 2017-11-24. Review status: criteria provided, single submitter. Criteria: GeneDx Variant Classification (06012015). Collection method: clinical testing. Allele origin: germline. Affected: yes.
Comment: The P520L variant has been published as a pathogenic variant in association with Schwannomatosis (Piotrowski et al., 2014) with limited evidence for pathogenicity. The P520L variant is not observed in large population cohorts (Lek et al., 2016). The P520L variant is a semi-conservative amino acid substitution, which may impact secondary protein structure as these residues differ in some properties. In-silico analyses, including protein predictors and evolutionary conservation, support that this variant does not alter protein structure/function. No nearby missense variants have been reported in the Human Gene Mutation Database (Stenson et al., 2014). In summary, based on the currently available information, it is unclear whether this variant is a pathogenic variant or a rare benign variant.

Baylor-Hopkins Center for Mendelian Genomics, Johns Hopkins University School of Medicine
Classification: Uncertain significance for LZTR1-related schwannomatosis. Review status: criteria provided, single submitter. Criteria: ACMG Guidelines, 2015. Collection method: research. Allele origin: unknown. Affected: yes. Observed: 1 variant allele, 1 heterozygote.

Literature cited by the submitters: PubMed 24362817 (cited by Labcorp Genetics (formerly Invitae), Labcorp).